The following is an entry in ClinVar:

ClinVar aggregate classification (germline): Conflicting classifications of pathogenicity. Review status: criteria provided, conflicting classifications (1 of 4 stars). 2 submissions from 2 submitters: Uncertain significance (1); Likely benign (1). Last evaluated 2025-12-10.

Conditions:
Cardiovascular phenotype. Identifiers: MedGen CN230736.
Familial hypobetalipoproteinemia 1. Also called: APOB-Related Familial Hypobetalipoproteinemia; Hypobetalipoproteinemia, normotriglyceridemic; Acanthocytosis with hypobetalipoproteinemia. Identifiers: MedGen C4551990, MONDO:0014252, OMIM 615558.
Hypercholesterolemia, autosomal dominant, type B (FHCL2). Also called: Familial Hypercholesterolemia Type B; APOLIPOPROTEIN B-100, FAMILIAL DEFECTIVE; APOLIPOPROTEIN B-100, FAMILIAL LIGAND-DEFECTIVE; HYPERCHOLESTEROLEMIA, FAMILIAL, DUE TO LIGAND-DEFECTIVE APOLIPOPROTEIN B; Hyperlipoproteinemia Type IIb; Familial hypercholesterolemia 2. Identifiers: MedGen C1704417, MONDO:0007751, OMIM 144010.

Allele frequency attached by ClinVar (database versions not stated): TOPMed below 0.00001 and 0.00001; gnomAD 0.00001; ExAC 0.00002; gnomAD exomes 0.00002.
gnomAD v4.1: 25 of 1,614,078 alleles (0.0015%); highest among the groups gnomAD compares: Non-Finnish European, 0.002%; no homozygotes.

Submissions (2):

Ambry Genetics
Classification: Uncertain significance for Cardiovascular phenotype. Last evaluated: 2025-12-10. Review status: criteria provided, single submitter. Criteria: Ambry Variant Classification Scheme 2023. Collection method: clinical testing. Allele origin: germline.
Comment: The p.E331G variant (also known as c.992A>G), located in coding exon 9 of the APOB gene, results from an A to G substitution at nucleotide position 992. The glutamic acid at codon 331 is replaced by glycine, an amino acid with similar properties. This amino acid position is conserved. In addition, this alteration is predicted to be tolerated by in silico analysis. Based on the available evidence, the clinical significance of this variant remains unclear.

Labcorp Genetics (formerly Invitae), Labcorp
Classification: Likely benign for Familial hypobetalipoproteinemia 1; Hypercholesterolemia, autosomal dominant, type B. Last evaluated: 2023-01-21. Review status: criteria provided, single submitter. Criteria: Invitae Variant Classification Sherloc (09022015). Collection method: clinical testing. Allele origin: germline.

NM_000384.3(APOB):c.992A>G (p.Glu331Gly)

Gene: APOB (apolipoprotein B; minus strand). Cytogenetic location: 2p24.1.
Variant type: single nucleotide variant.
Coding change: c.992A>G on transcript NM_000384.3 (MANE Select); coding-DNA position 992, A replaced by G.
Protein change: p.Glu331Gly; replaces glutamic acid 331 with glycine.
Molecular consequence: missense variant.
Genome position (GRCh38, 1-based): chr2:21,033,431, T>C on the plus strand (A>G on the coding strand, the complement: APOB is on the minus strand). VCF-style: chr2-21033431-T-C. GRCh37 (hg19) VCF-style: chr2-21256303-T-C.
Other names: short protein forms E331G.
Identifiers: ClinVar variation 2947921 (VCV002947921.5), dbSNP rs767329761, ClinGen allele CA066967.